The following is an entry in ClinVar:

ClinVar aggregate classification (germline): Uncertain significance (1 of 4 stars; one submission).

Conditions:
Duchenne muscular dystrophy (DMD). Also called: MUSCULAR DYSTROPHY, PSEUDOHYPERTROPHIC PROGRESSIVE, DUCHENNE TYPE; Duchenne Muscular Dystrophy (DMD). Identifiers: Orphanet 98896, MedGen C0013264, MONDO:0010679, OMIM 310200.

Allele frequency attached by ClinVar (database versions not stated): gnomAD 0.00001; gnomAD exomes 0.00001 and 0.00002; TOPMed 0.00001; ExAC 0.00004.
gnomAD v4.1: 7 of 1,207,604 alleles (0.00058%); highest among the groups gnomAD compares: African/African-American, 0.0018%; no homozygotes.

Submission:

Labcorp Genetics (formerly Invitae), Labcorp
Classification: Uncertain significance for Duchenne muscular dystrophy. Last evaluated: 2021-08-31. Review status: criteria provided, single submitter. Criteria: Invitae Variant Classification Sherloc (09022015). Collection method: clinical testing. Allele origin: germline.
Comment: This sequence change replaces aspartic acid with glycine at codon 1988 of the DMD protein (p.Asp1988Gly). The aspartic acid residue is highly conserved and there is a moderate physicochemical difference between aspartic acid and glycine. This variant is present in population databases (rs754876601, ExAC 0.006%). This variant has not been reported in the literature in individuals affected with DMD-related conditions. Algorithms developed to predict the effect of missense changes on protein structure and function output the following: SIFT: "Tolerated"; PolyPhen-2: "Possibly Damaging"; Align-GVGD: "Class C0". The glycine amino acid residue is found in multiple mammalian species, which suggests that this missense change does not adversely affect protein function. In summary, the available evidence is currently insufficient to determine the role of this variant in disease. Therefore, it has been classified as a Variant of Uncertain Significance.

NM_004006.3(DMD):c.5963A>G (p.Asp1988Gly)

Gene: DMD (dystrophin; minus strand). Cytogenetic location: Xp21.1.
Variant type: single nucleotide variant.
Coding change: c.5963A>G on transcript NM_004006.3 (MANE Select); coding-DNA position 5963, A replaced by G.
Protein change: p.Asp1988Gly; replaces aspartic acid 1988 with glycine.
Molecular consequence: missense variant.
Genome position (GRCh38, 1-based): chrX:32,310,236, T>C on the plus strand (A>G on the coding strand, the complement: DMD is on the minus strand). VCF-style: chrX-32310236-T-C. GRCh37 (hg19) VCF-style: chrX-32328353-T-C.
Other names: c.5939A>G, p.Asp1980Gly (NM_000109.4); c.5951A>G, p.Asp1984Gly (NM_004009.3); c.5594A>G, p.Asp1865Gly (NM_004010.3); c.1940A>G, p.Asp647Gly (NM_004011.4); c.1931A>G, p.Asp644Gly (NM_004012.4); short protein forms D1865G, D1980G, D1984G, D1988G, D644G, D647G.
Identifiers: ClinVar variation 1025249 (VCV001025249.6), dbSNP rs754876601, ClinGen allele CA10378558.